The following is an entry in ClinVar:

ClinVar aggregate classification (germline): Uncertain significance (1 of 4 stars; one submission).

gnomAD v4.1: 224 of 1,614,054 alleles (0.014%); highest among the groups gnomAD compares: Non-Finnish European, 0.019%; no homozygotes.

Submission:

Labcorp Genetics (formerly Invitae), Labcorp
Classification: Uncertain significance. Last evaluated: 2025-12-21. Review status: criteria provided, single submitter. Criteria: Invitae Variant Classification Sherloc (09022015). Collection method: clinical testing. Allele origin: germline.
Comment: This sequence change replaces glutamic acid, which is acidic and polar, with glutamine, which is neutral and polar, at codon 2677 of the MACF1 protein (p.Glu2677Gln). This variant is present in population databases (rs372278096, gnomAD 0.007%). This variant has not been reported in the literature in individuals affected with MACF1-related conditions. An algorithm developed to predict the effect of missense changes on protein structure and function (PolyPhen-2) suggests that this variant is likely to be disruptive. In summary, the available evidence is currently insufficient to determine the role of this variant in disease. Therefore, it has been classified as a Variant of Uncertain Significance.

NM_001394062.1(MACF1):c.14215G>C (p.Glu4739Gln)

Gene: MACF1 (microtubule actin crosslinking factor 1; plus strand). Cytogenetic location: 1p34.3.
Variant type: single nucleotide variant.
Coding change: c.14215G>C on transcript NM_001394062.1 (MANE Select); coding-DNA position 14215, G replaced by C.
Protein change: p.Glu4739Gln; replaces glutamic acid 4739 with glutamine.
Molecular consequence: missense variant.
Genome position (GRCh38, 1-based): chr1:39,385,800, G>C. VCF-style: chr1-39385800-G-C. GRCh37 (hg19) VCF-style: chr1-39851472-G-C.
Other names: c.8029G>C, p.Glu2677Gln (NM_012090.5); short protein forms E4739Q, E2677Q.
Identifiers: ClinVar variation 4751379 (VCV004751379.1).